The following is an entry in ClinVar:

ClinVar aggregate classification (germline): Uncertain significance. Review status: criteria provided, multiple submitters, no conflicts (2 of 4 stars). 2 submissions from 2 submitters: Uncertain significance (2). Last evaluated 2023-09-05.

Conditions:
RASopathy. Also called: rasopathies; Noonan spectrum disorder. Identifiers: Orphanet 536391, MedGen C5555857, MONDO:0021060.
Cardiovascular phenotype. Identifiers: MedGen CN230736.

Allele frequency attached by ClinVar (database versions not stated): gnomAD 0.00001.
gnomAD v4.1: 3 of 1,614,072 alleles (0.00019%); highest among the groups gnomAD compares: African/African-American, 0.0027%; no homozygotes.

Submissions (2):

Labcorp Genetics (formerly Invitae), Labcorp
Classification: Uncertain significance for RASopathy. Last evaluated: 2023-09-05. Review status: criteria provided, single submitter. Criteria: Invitae Variant Classification Sherloc (09022015). Collection method: clinical testing. Allele origin: germline.
Comment: In summary, the available evidence is currently insufficient to determine the role of this variant in disease. Therefore, it has been classified as a Variant of Uncertain Significance. Advanced modeling of protein sequence and biophysical properties (such as structural, functional, and spatial information, amino acid conservation, physicochemical variation, residue mobility, and thermodynamic stability) performed at Invitae indicates that this missense variant is expected to disrupt PTPN11 protein function. ClinVar contains an entry for this variant (Variation ID: 1717036). This variant has not been reported in the literature in individuals affected with PTPN11-related conditions. This variant is not present in population databases (gnomAD no frequency). This sequence change replaces valine, which is neutral and non-polar, with leucine, which is neutral and non-polar, at codon 435 of the PTPN11 protein (p.Val435Leu).

Ambry Genetics
Classification: Uncertain significance for Cardiovascular phenotype. Last evaluated: 2021-08-12. Review status: criteria provided, single submitter. Criteria: Ambry Variant Classification Scheme 2023. Collection method: clinical testing. Allele origin: germline.

NM_002834.5(PTPN11):c.1303G>T (p.Val435Leu)

Gene: PTPN11 (protein tyrosine phosphatase non-receptor type 11; plus strand). Cytogenetic location: 12q24.13.
Variant type: single nucleotide variant.
Coding change: c.1303G>T on transcript NM_002834.5 (MANE Select); coding-DNA position 1303, G replaced by T.
Protein change: p.Val435Leu; replaces valine 435 with leucine.
Molecular consequence: missense variant.
Genome position (GRCh38, 1-based): chr12:112,486,553, G>T. VCF-style: chr12-112486553-G-T. GRCh37 (hg19) VCF-style: chr12-112924357-G-T.
Other names: c.1315G>T, p.Val439Leu (NM_001330437.2); c.1300G>T, p.Val434Leu (NM_001374625.1); c.1303G>T, p.Val435Leu (NM_080601.3); short protein forms V434L, V435L, V439L.
Identifiers: ClinVar variation 1717036 (VCV001717036.7), dbSNP rs1054802954, ClinGen allele CA386777326.
Genomic context (GRCh38, chr12:112,486,553, plus strand): 5'-GTCTGGCAATACCACTTTCGGACCTGGCCGGACCACGGCGTGCCCAGCGACCCTGGGGGC[G>T]TGCTGGACTTCCTGGAGGAGGTGCACCATAAGCAGGAGAGCATCATGGATGCAGGGCCGG-3'
Protein context (NP_002825.3, residues 425-445): DHGVPSDPGG[Val435Leu]LDFLEEVHHK